The following is an entry in ClinVar:

ClinVar aggregate classification (germline): Conflicting classifications of pathogenicity. Review status: criteria provided, conflicting classifications (1 of 4 stars). 3 submissions from 3 submitters: Uncertain significance (1); Likely benign (1). 1 of the submissions does not count toward it. Last evaluated 2025-11-12.

Conditions:
Retinitis pigmentosa 12 (RP12). Also called: RP WITH OR WITHOUT PRESERVED PARAARTERIOLE RETINAL PIGMENT EPITHELIUM; RETINITIS PIGMENTOSA WITH OR WITHOUT PARAARTERIOLAR PRESERVATION OF RETINAL PIGMENT EPITHELIUM; RP WITH OR WITHOUT PPRPE. Identifiers: Orphanet 791, MedGen C1838647, MONDO:0010818, OMIM 600105.
Leber congenital amaurosis 8 (LCA8). Identifiers: Orphanet 65, MedGen C3151202, MONDO:0013453, OMIM 613835.
Inborn genetic diseases. Identifiers: MedGen C0950123, MeSH D030342.
Leber congenital amaurosis (LCA). Also called: Leber's amaurosis. Identifiers: Orphanet 65, MedGen C0339527, MeSH D057130, MONDO:0018998.

Allele frequency attached by ClinVar (database versions not stated): gnomAD exomes below 0.00001 and 0.00001; ExAC 0.00001; gnomAD 0.00001; TOPMed 0.00002.
gnomAD v4.1: 7 of 1,614,118 alleles (0.00043%); highest among the groups gnomAD compares: African/African-American, 0.0027%; no homozygotes.

Submissions (3):

Ambry Genetics
Classification: Likely benign for Inborn genetic diseases. Last evaluated: 2025-11-12. Review status: criteria provided, single submitter. Criteria: Ambry Variant Classification Scheme 2023. Collection method: clinical testing. Allele origin: germline.

Labcorp Genetics (formerly Invitae), Labcorp
Classification: Uncertain significance for Leber congenital amaurosis 8; Retinitis pigmentosa 12. Last evaluated: 2022-07-05. Review status: criteria provided, single submitter. Criteria: Invitae Variant Classification Sherloc (09022015). Collection method: clinical testing. Allele origin: germline.
Comment: This sequence change replaces isoleucine, which is neutral and non-polar, with valine, which is neutral and non-polar, at codon 546 of the CRB1 protein (p.Ile546Val). This variant is present in population databases (rs745464770, gnomAD 0.008%). This variant has not been reported in the literature in individuals affected with CRB1-related conditions. ClinVar contains an entry for this variant (Variation ID: 1026045). Advanced modeling of protein sequence and biophysical properties (such as structural, functional, and spatial information, amino acid conservation, physicochemical variation, residue mobility, and thermodynamic stability) performed at Invitae indicates that this missense variant is not expected to disrupt CRB1 protein function. Algorithms developed to predict the effect of sequence changes on RNA splicing suggest that this variant may create or strengthen a splice site. In summary, the available evidence is currently insufficient to determine the role of this variant in disease. Therefore, it has been classified as a Variant of Uncertain Significance.

Natera, Inc.
Classification: Uncertain significance for Leber congenital amaurosis. Last evaluated: 2020-11-17. Review status: no assertion criteria provided. Collection method: clinical testing. Allele origin: germline. Not counted in ClinVar's aggregate classification.

NM_201253.3(CRB1):c.1636A>G (p.Ile546Val)

Gene: CRB1 (crumbs cell polarity complex component 1; plus strand). Cytogenetic location: 1q31.3.
Variant type: single nucleotide variant.
Coding change: c.1636A>G on transcript NM_201253.3 (MANE Select); coding-DNA position 1636, A replaced by G.
Protein change: p.Ile546Val; replaces isoleucine 546 with valine.
Molecular consequence: missense variant. On other transcripts: non-coding transcript variant (2).
Genome position (GRCh38, 1-based): chr1:197,421,464, A>G. VCF-style: chr1-197421464-A-G. GRCh37 (hg19) VCF-style: chr1-197390594-A-G.
Other names: c.1300A>G, p.Ile434Val (NM_001193640.2); c.1429A>G, p.Ile477Val (NM_001257965.2); c.1636A>G, p.Ile546Val (NM_001257966.2); c.1636A>G (NM_201253.2); short protein forms I434V, I477V, I546V.
Identifiers: ClinVar variation 1026045 (VCV001026045.6), dbSNP rs745464770, ClinGen allele CA1311944.